The following is an entry in ClinVar:

ClinVar aggregate classification (germline): Likely benign (1 of 4 stars; one submission).

Conditions:
Progressive sclerosing poliodystrophy (MTDPS4A). Also called: Alpers-Huttenlocher Syndrome (AHS); Alpers Syndrome; ALPERS PROGRESSIVE INFANTILE POLIODYSTROPHY; Mitochondrial DNA depletion syndrome 4A (Alpers type); ALPERS DIFFUSE DEGENERATION OF CEREBRAL GRAY MATTER WITH HEPATIC CIRRHOSIS; Alpers-Huttenlocher Syndrome. Identifiers: Orphanet 726, MedGen C0205710, MONDO:0008758, OMIM 203700.

Allele frequency attached by ClinVar (database versions not stated): gnomAD exomes below 0.00001; TOPMed below 0.00001.
gnomAD v4.1: 1 of 1,607,458 alleles (0.000062%); highest among the groups gnomAD compares: Admixed American, 0.0017%; no homozygotes.

Submission:

Wong Mito Lab, Molecular and Human Genetics, Baylor College of Medicine
Classification: Likely benign for Progressive sclerosing poliodystrophy. Last evaluated: 2018-10-01. Review status: criteria provided, single submitter. Criteria: ACMG Guidelines, 2015. Collection method: clinical testing. Allele origin: germline.
Comment: The NM_002693.2:c.1171-37G>T (NP_002684.1:p.=) [GRCH38: NC_000015.10:g.89328572C>A] variant in POLG gene is interpretated to be a Likely Benign based on ACMG guidelines (PMID: 25741868). This variant meets the following evidence codes reported in the ACMG-guideline. BP4:Computational evidence/predictors indicate no impact on the POLG structure, function, or protein-protein interaction. BP6:Reputable source(s) without shared data suggest the variant is benign. Based on the evidence criteria codes applied, the variant is suggested to be Likely Benign.

NM_002693.3(POLG):c.1171-37G>T

Gene: POLG (DNA polymerase gamma, catalytic subunit; minus strand). Cytogenetic location: 15q26.1.
Variant type: single nucleotide variant.
Coding change: c.1171-37G>T on transcript NM_002693.3 (MANE Select); 37 bases into the intron before coding-DNA position 1171, G replaced by T.
Molecular consequence: intron variant.
Genome position (GRCh38, 1-based): chr15:89,328,572, C>A on the plus strand (G>T on the coding strand, the complement: POLG is on the minus strand). VCF-style: chr15-89328572-C-A. GRCh37 (hg19) VCF-style: chr15-89871803-C-A.
Other names: c.1171-37G>T (NM_001126131.2).
Identifiers: ClinVar variation 619352 (VCV000619352.1), dbSNP rs1426619872, ClinGen allele CA10602305.